The following is an entry in ClinVar:

NM_014927.5(CNKSR2):c.2495T>C (p.Met832Thr)

Gene: CNKSR2 (connector enhancer of kinase suppressor of Ras 2; plus strand). Cytogenetic location: Xp22.12.
Variant type: single nucleotide variant.
Coding change: c.2495T>C on transcript NM_014927.5 (MANE Select); coding-DNA position 2495, T replaced by C.
Protein change: p.Met832Thr; replaces methionine 832 with threonine.
Molecular consequence: missense variant.
Genome position (GRCh38, 1-based): chrX:21,609,420, T>C. VCF-style: chrX-21609420-T-C. GRCh37 (hg19) VCF-style: chrX-21627538-T-C.
Other names: c.2405T>C, p.Met802Thr (NM_001168647.3, NM_001330773.2); c.2495T>C, p.Met832Thr (NM_001168648.3); c.2348T>C, p.Met783Thr (NM_001168649.3, NM_001330770.2); c.2258T>C, p.Met753Thr (NM_001330771.2, NM_001330772.2); short protein forms M802T, M832T, M783T, M753T.
Identifiers: ClinVar variation 810529 (VCV000810529.42), dbSNP rs1602026683, ClinGen allele CA412559304.

ClinVar aggregate classification (germline): Uncertain significance (1 of 4 stars; one submission).

Submission:

CeGaT Center for Human Genetics Tuebingen
Classification: Uncertain significance. Last evaluated: 2024-09-01. Review status: criteria provided, single submitter. Criteria: CeGaT Center For Human Genetics Tuebingen Variant Classification Criteria Version 2. Collection method: clinical testing. Allele origin: germline. Affected: yes. Observed: 3 variant alleles.
Comment: CNKSR2: PM2, PS2:Supporting, BP1